The following is an entry in ClinVar:

NM_003356.4(UCP3):c.767C>G (p.Pro256Arg)

Gene: UCP3 (uncoupling protein 3; minus strand). Cytogenetic location: 11q13.4.
Variant type: single nucleotide variant.
Coding change: c.767C>G on transcript NM_003356.4 (MANE Select); coding-DNA position 767, C replaced by G.
Protein change: p.Pro256Arg; replaces proline 256 with arginine.
Molecular consequence: missense variant.
Genome position (GRCh38, 1-based): chr11:74,003,884, G>C on the plus strand (C>G on the coding strand, the complement: UCP3 is on the minus strand). VCF-style: chr11-74003884-G-C. GRCh37 (hg19) VCF-style: chr11-73714929-G-C.
Other names: c.767C>G, p.Pro256Arg (NM_022803.3); short protein forms P256R.
Identifiers: ClinVar variation 3358098 (VCV003358098.1).

ClinVar aggregate classification (germline): Uncertain significance (0 of 4 stars; one submission).

Conditions:
UCP3-related disorder. Also called: UCP3-related condition.

gnomAD v4.1: 122 of 1,614,130 alleles (0.0076%); highest among the groups gnomAD compares: South Asian, 0.13%; 1 homozygote.

Submission:

PreventionGenetics, part of Exact Sciences
Classification: Uncertain significance for UCP3-related condition. Last evaluated: 2024-03-19. Review status: no assertion criteria provided. Collection method: clinical testing. Allele origin: germline.
Comment: The UCP3 c.767C>G variant is predicted to result in the amino acid substitution p.Pro256Arg. To our knowledge, this variant has not been reported in the literature. This variant is reported in 0.11% of alleles in individuals of South Asian descent in gnomAD. Although we suspect that this variant may be benign, at this time, the clinical significance of this variant is uncertain due to the absence of conclusive functional and genetic evidence.